The following is an entry in ClinVar:

ClinVar aggregate classification (germline): Uncertain significance (1 of 4 stars; one submission).

Conditions:
Hypertrophic cardiomyopathy. Also called: HYPERTROPHIC MYOCARDIOPATHY. Identifiers: Orphanet 217569, MedGen C0007194, MeSH D002312, MONDO:0005045, HP:0001639.

Submission:

Labcorp Genetics (formerly Invitae), Labcorp
Classification: Uncertain significance for Hypertrophic cardiomyopathy. Last evaluated: 2025-02-12. Review status: criteria provided, single submitter. Criteria: Invitae Variant Classification Sherloc (09022015). Collection method: clinical testing. Allele origin: germline.
Comment: This sequence change replaces methionine, which is neutral and non-polar, with lysine, which is basic and polar, at codon 1046 of the MYH7 protein (p.Met1046Lys). This variant is not present in population databases (gnomAD no frequency). This variant has not been reported in the literature in individuals affected with MYH7-related conditions. Invitae Evidence Modeling of protein sequence and biophysical properties (such as structural, functional, and spatial information, amino acid conservation, physicochemical variation, residue mobility, and thermodynamic stability) indicates that this missense variant is expected to disrupt MYH7 protein function with a positive predictive value of 95%. In summary, the available evidence is currently insufficient to determine the role of this variant in disease. Therefore, it has been classified as a Variant of Uncertain Significance.

NM_000257.4(MYH7):c.3137T>A (p.Met1046Lys)

Gene: MYH7 (myosin heavy chain 7; minus strand). Cytogenetic location: 14q11.2.
Variant type: single nucleotide variant.
Coding change: c.3137T>A on transcript NM_000257.4 (MANE Select); coding-DNA position 3137, T replaced by A.
Protein change: p.Met1046Lys; replaces methionine 1046 with lysine.
Molecular consequence: missense variant.
Genome position (GRCh38, 1-based): chr14:23,422,288, A>T on the plus strand (T>A on the coding strand, the complement: MYH7 is on the minus strand). VCF-style: chr14-23422288-A-T. GRCh37 (hg19) VCF-style: chr14-23891497-A-T.
Other names: c.3137T>A, p.Met1046Lys (NM_001407004.1); short protein forms M1046K.
Identifiers: ClinVar variation 4801936 (VCV004801936.1).